The following is an entry in ClinVar:

NM_012186.3(FOXE3):c.877dup (p.Ala293fs)

Genes: FOXE3 (forkhead box E3; plus strand), LINC01389 (long independently transcribed non-coding RNA 1389; minus strand). Cytogenetic location: 1p33.
Variant type: Duplication.
Coding change: c.877dup on transcript NM_012186.3 (MANE Select); coding-DNA position 877, one base duplicated (G; older notation c.877dupG).
Protein change: p.Ala293fs; shifts the reading frame from alanine 293.
Molecular consequence: frameshift variant.
Genome position (GRCh38, 1-based): chr1:47,417,192, G duplicated; the last of 2 consecutive G bases (chr1:47,417,191-47,417,192); duplicating either gives the same sequence. VCF-style (leftmost placement, unchanged base first): chr1-47417190-C-CG. GRCh37 (hg19) VCF-style: chr1-47882862-C-CG.
Other names: short protein forms A293fs.
Identifiers: ClinVar variation 2941659 (VCV002941659.3), dbSNP rs2521323818, ClinGen allele CA2740090533.
Genomic context (GRCh38, chr1:47,417,190, plus strand): 5'-CCGCGACGCGCCCCGGCCCCGGCCCGCTGCCCGCTGAGCCCCTCCTGGCCTTGGCCGGGC[C>CG]GGCAGCCGCTCTCGGCCCGCTCAGCCCTGGGGAGGCCTACCTGAGGCAGCCGGGCTTCGC-3'

ClinVar aggregate classification (germline): Uncertain significance (1 of 4 stars; one submission).

Conditions:
Anterior segment dysgenesis. Also called: Ocular anterior segment dysgenesis. Identifiers: Orphanet 88632, MedGen C1862839, MONDO:0019503, HP:0007700.
Congenital primary aphakia. Also called: Anterior segment dysgenesis 2, multiple subtypes; ANTERIOR SEGMENT DYSGENESIS 2. Identifiers: Orphanet 83461, MedGen C1853230, MONDO:0012456, OMIM 610256.

Submission:

Labcorp Genetics (formerly Invitae), Labcorp
Classification: Uncertain significance for Anterior segment dysgenesis; Congenital primary aphakia. Last evaluated: 2022-11-19. Review status: criteria provided, single submitter. Criteria: Invitae Variant Classification Sherloc (09022015). Collection method: clinical testing. Allele origin: germline.
Comment: This sequence change results in a frameshift in the FOXE3 gene (p.Ala293Glyfs*139). While this is not anticipated to result in nonsense mediated decay, it is expected to disrupt the last 27 amino acid(s) of the FOXE3 protein and extend the protein by 111 additional amino acid residues. This variant is not present in population databases (gnomAD no frequency). This frameshift has been observed in individual(s) with FOXE3-related conditions (Invitae). Experimental studies and prediction algorithms are not available or were not evaluated, and the functional significance of this variant is currently unknown. In summary, the available evidence is currently insufficient to determine the role of this variant in disease. Therefore, it has been classified as a Variant of Uncertain Significance.